The following is an entry in ClinVar:

NM_001330624.2(CUL4B):c.20T>C (p.Val7Ala)

Genes: CUL4B (cullin 4B; minus strand), LOC113845788 (Sharpr-MPRA regulatory region 11856; plus strand). Cytogenetic location: Xq24.
Variant type: single nucleotide variant.
Coding change: c.20T>C on transcript NM_001330624.2; coding-DNA position 20, T replaced by C.
Protein change: p.Val7Ala; replaces valine 7 with alanine.
Molecular consequence: missense variant. On other transcripts: intron variant (1).
Genome position (GRCh38, 1-based): chrX:120,561,380, A>G on the plus strand (T>C on the coding strand, the complement: CUL4B is on the minus strand). VCF-style: chrX-120561380-A-G. GRCh37 (hg19) VCF-style: chrX-119695235-A-G.
Other names: c.68-755T>C (NM_003588.4); short protein forms V7A.
Identifiers: ClinVar variation 4994255 (VCV004994255.1).

ClinVar aggregate classification (germline): Uncertain significance (1 of 4 stars; one submission).

Conditions:
CUL4B-related disorder. Also called: CUL4B-related condition.

Submission:

PreventionGenetics, part of Exact Sciences
Classification: Uncertain significance for CUL4B-related condition. Last evaluated: 2026-02-20. Review status: criteria provided, single submitter. Criteria: ACMG Guidelines, 2015. Collection method: clinical testing. Allele origin: germline.
Comment: The CUL4B c.20T>C variant is predicted to result in the amino acid substitution p.Val7Ala. To our knowledge, this variant has not been reported in the literature or in a large population database (gnomAD), indicating this variant is rare. At this time, the clinical significance of this variant is uncertain due to the absence of conclusive functional and genetic evidence.